The following is an entry in ClinVar:

ClinVar aggregate classification (germline): Uncertain significance. Review status: criteria provided, multiple submitters, no conflicts (2 of 4 stars). 2 submissions from 2 submitters: Uncertain significance (2). Last evaluated 2026-01-13.

gnomAD v4.1: 67 of 1,605,916 alleles (0.0042%); highest among the groups gnomAD compares: Non-Finnish European, 0.0055%; no homozygotes.

Submissions (2):

Labcorp Genetics (formerly Invitae), Labcorp
Classification: Uncertain significance. Last evaluated: 2026-01-13. Review status: criteria provided, single submitter. Criteria: Invitae Variant Classification Sherloc (09022015). Collection method: clinical testing. Allele origin: germline.
Comment: This sequence change replaces leucine, which is neutral and non-polar, with histidine, which is basic and polar, at codon 273 of the IL6R protein (p.Leu273His). This variant is present in population databases (rs151317914, gnomAD 0.005%). This variant has not been reported in the literature in individuals affected with IL6R-related conditions. An algorithm developed to predict the effect of missense changes on protein structure and function outputs the following: PolyPhen-2: "Benign". The histidine amino acid residue is found in multiple mammalian species, which suggests that this missense change does not adversely affect protein function. In summary, the available evidence is currently insufficient to determine the role of this variant in disease. Therefore, it has been classified as a Variant of Uncertain Significance.

Ambry Genetics
Classification: Uncertain significance. Last evaluated: 2025-11-20. Review status: criteria provided, single submitter. Criteria: Ambry Variant Classification Scheme 2023. Collection method: clinical testing. Allele origin: germline.

NM_000565.4(IL6R):c.818T>A (p.Leu273His)

Gene: IL6R (interleukin 6 receptor; plus strand). Cytogenetic location: 1q21.3.
Variant type: single nucleotide variant.
Coding change: c.818T>A on transcript NM_000565.4 (MANE Select); coding-DNA position 818, T replaced by A.
Protein change: p.Leu273His; replaces leucine 273 with histidine.
Molecular consequence: missense variant.
Genome position (GRCh38, 1-based): chr1:154,435,979, T>A. VCF-style: chr1-154435979-T-A. GRCh37 (hg19) VCF-style: chr1-154408455-T-A.
Other names: c.818T>A, p.Leu273His (NM_001206866.2, NM_001382769.1, NM_001382770.1 and 3 more transcripts); c.812T>A, p.Leu271His (NM_001382772.1); c.458T>A, p.Leu153His (NM_001382774.1); short protein forms L153H, L271H, L273H.
Identifiers: ClinVar variation 4678715 (VCV004678715.2).